The following is an entry in ClinVar:

NM_000092.5(COL4A4):c.985G>A (p.Gly329Arg)

Gene: COL4A4 (collagen type IV alpha 4 chain; minus strand). Cytogenetic location: 2q36.3.
Variant type: single nucleotide variant.
Coding change: c.985G>A on transcript NM_000092.5 (MANE Select); coding-DNA position 985, G replaced by A.
Protein change: p.Gly329Arg; replaces glycine 329 with arginine.
Molecular consequence: missense variant.
Genome position (GRCh38, 1-based): chr2:227,101,548, C>T on the plus strand (G>A on the coding strand, the complement: COL4A4 is on the minus strand). VCF-style: chr2-227101548-C-T. GRCh37 (hg19) VCF-style: chr2-227966264-C-T.
Other names: short protein forms G329R.
Identifiers: ClinVar variation 2981366 (VCV002981366.8), dbSNP rs1162654150, ClinGen allele CA350855996.

ClinVar aggregate classification (germline): Conflicting classifications of pathogenicity. Review status: criteria provided, conflicting classifications (1 of 4 stars). 5 submissions from 5 submitters: Likely pathogenic (4); Uncertain significance (1). Last evaluated 2026-02-05.

Conditions:
Alport syndrome. Also called: Hemorrhagic familial nephritis; Hemorrhagic hereditary nephritis; Congenital hereditary hematuria. Identifiers: Orphanet 63, MedGen C1567741, MONDO:0018965.
Autosomal recessive Alport syndrome (ATS2). Also called: ALPORT SYNDROME 2, AUTOSOMAL RECESSIVE; Alport syndrome type 2; COL4A4 Alport Syndrome and Thin Basement Membrane Nephropathy; COL4A3-Related Nephropathy. Identifiers: Orphanet 63, Orphanet 88919, MedGen C4746745, MONDO:0008762, OMIM 203780.
Hematuria, benign familial, 1 (BFH1). Also called: THIN MEMBRANE NEPHROPATHY. Identifiers: MedGen CN376803, MONDO:0007709, OMIM 141200.
COL4A4-related disorder.

Allele frequency attached by ClinVar (database versions not stated): TOPMed below 0.00001; gnomAD 0.00001.
gnomAD v4.1: 1 of 1,611,098 alleles (0.000062%); highest among the groups gnomAD compares: Admixed American, 0.0017%; no homozygotes.

Submissions (5):

GeneDx
Classification: Likely pathogenic. Last evaluated: 2026-02-05. Review status: criteria provided, single submitter. Criteria: GeneDx Variant Classification Process June 2021. Collection method: clinical testing. Allele origin: germline.
Comment: Affects a glycine residue in a Gly-X-Y motif in the triple helical region of the COL4A4 gene, where the majority of pathogenic missense variants occur, and is predicted to disrupt normal protein folding and function (HGMD, PMID: 10752524); Not observed at significant frequency in large population cohorts (gnomAD); In silico analysis supports that this missense variant has a deleterious effect on protein structure/function; Has not been previously published as pathogenic or benign to our knowledge; This variant is associated with the following publications: (PMID: 10752524)

Natera, Inc.
Classification: Likely pathogenic for Alport syndrome. Last evaluated: 2025-09-04. Review status: criteria provided, single submitter. Criteria: Natera Variant Classification Schema (03/2026). Collection method: clinical testing. Allele origin: germline.
Comment: The c.985G>A variant in COL4A4 is a missense variant predicted to cause substitution of glycine to arginine at amino acid 329. This variant is rare in the general population with a frequency below the threshold expected for the associated phenotype(s). This variant is located in a functionally critical region of the protein. Computational prediction algorithms indicate this variant is likely to affect gene or protein function. Given the available evidence, this variant is classified as Likely Pathogenic.

PreventionGenetics, part of Exact Sciences
Classification: Likely pathogenic for COL4A4-related condition. Last evaluated: 2025-05-08. Review status: criteria provided, single submitter. Criteria: ACMG Guidelines, 2015. Collection method: clinical testing. Allele origin: germline.
Comment: The COL4A4 c.985G>A variant is predicted to result in the amino acid substitution p.Gly329Arg. The Gly329Arg variant affects a Gly residue of the conserved triple helical domain (residues 65 – 1459) of the COL4A4 protein. The majority of pathogenic variants in COL4A4 substitute a glycine residue to a bulkier amino acid in the triple-helical domain (Hudson et al. 1993. PubMed ID: 8253711). To our knowledge, this variant has not been reported in the literature or in a large population database (gnomAD), indicating this variant is rare. This variant is interpreted as likely pathogenic.

Labcorp Genetics (formerly Invitae), Labcorp
Classification: Uncertain significance. Last evaluated: 2024-10-17. Review status: criteria provided, single submitter. Criteria: Invitae Variant Classification Sherloc (09022015). Collection method: clinical testing. Allele origin: germline.
Comment: This sequence change replaces glycine, which is neutral and non-polar, with arginine, which is basic and polar, at codon 329 of the COL4A4 protein (p.Gly329Arg). This variant is not present in population databases (gnomAD no frequency). This variant has not been reported in the literature in individuals affected with COL4A4-related conditions. Invitae Evidence Modeling of protein sequence and biophysical properties (such as structural, functional, and spatial information, amino acid conservation, physicochemical variation, residue mobility, and thermodynamic stability) indicates that this missense variant is expected to disrupt COL4A4 protein function with a positive predictive value of 95%. In summary, the available evidence is currently insufficient to determine the role of this variant in disease. Therefore, it has been classified as a Variant of Uncertain Significance.

Fulgent Genetics
Classification: Likely pathogenic for Hematuria, benign familial, 1; Autosomal recessive Alport syndrome. Last evaluated: 2023-12-31. Review status: criteria provided, single submitter. Criteria: ACMG Guidelines, 2015. Collection method: clinical testing. Allele origin: germline.